The following is an entry in ClinVar:

NM_000038.6(APC):c.7555G>C (p.Asp2519His)

Gene: APC (APC regulator of Wnt signaling pathway; plus strand). Cytogenetic location: 5q22.2.
Variant type: single nucleotide variant.
Coding change: c.7555G>C on transcript NM_000038.6 (MANE Select); coding-DNA position 7555, G replaced by C.
Protein change: p.Asp2519His; replaces aspartic acid 2519 with histidine.
Molecular consequence: missense variant. On other transcripts: non-coding transcript variant (2).
Genome position (GRCh38, 1-based): chr5:112,843,149, G>C. VCF-style: chr5-112843149-G-C. GRCh37 (hg19) VCF-style: chr5-112178846-G-C.
Other names: c.7555G>C, p.Asp2519His (NM_001127510.3, NM_001354895.2, NM_001407450.1); c.7585G>C, p.Asp2529His (NM_001354897.2); c.7501G>C, p.Asp2501His (NM_001127511.3); c.7480G>C, p.Asp2494His (NM_001354898.2); c.7609G>C, p.Asp2537His (NM_001354896.2, NM_001407447.1, NM_001407448.1 and 1 more transcripts); c.7282G>C, p.Asp2428His (NM_001354902.2); c.7252G>C, p.Asp2418His (NM_001354903.2, NM_001407458.1, NM_001407459.1 and 1 more transcripts); c.7177G>C, p.Asp2393His (NM_001354904.2); and 11 more; short protein forms D2135H, D2393H, D2418H, D2509H, D2537H, D2547H, D2359H, D2519H.
Identifiers: ClinVar variation 4586298 (VCV004586298.1).

ClinVar aggregate classification (germline): Uncertain significance (1 of 4 stars; one submission).

Conditions:
Hereditary cancer-predisposing syndrome. Also called: Neoplastic Syndromes, Hereditary; Tumor predisposition; Hereditary Cancer Syndrome; Hereditary neoplastic syndrome. Identifiers: Orphanet 140162, MedGen C0027672, MeSH D009386, MONDO:0015356.

Submission:

Ambry Genetics
Classification: Uncertain significance for Hereditary cancer-predisposing syndrome. Last evaluated: 2025-10-26. Review status: criteria provided, single submitter. Criteria: Ambry Variant Classification Scheme 2023. Collection method: clinical testing. Allele origin: germline.
Comment: The p.D2519H variant (also known as c.7555G>C), located in coding exon 15 of the APC gene, results from a G to C substitution at nucleotide position 7555. The aspartic acid at codon 2519 is replaced by histidine, an amino acid with similar properties. This amino acid position is conserved. In addition, in silico predictors for this gene do not accurately predict pathogenicity. Based on the available evidence, the clinical significance of this variant remains unclear.